The following is an entry in ClinVar:

NM_030630.3(HID1):c.476C>T (p.Thr159Met)

Gene: HID1 (HID1 domain containing; minus strand). Cytogenetic location: 17q25.1.
Variant type: single nucleotide variant.
Coding change: c.476C>T on transcript NM_030630.3 (MANE Select); coding-DNA position 476, C replaced by T.
Protein change: p.Thr159Met; replaces threonine 159 with methionine.
Molecular consequence: missense variant.
Genome position (GRCh38, 1-based): chr17:74,962,993, G>A on the plus strand (C>T on the coding strand, the complement: HID1 is on the minus strand). VCF-style: chr17-74962993-G-A. GRCh37 (hg19) VCF-style: chr17-72959088-G-A.
Other names: short protein forms T159M.
Identifiers: ClinVar variation 3372764 (VCV003372764.1).

ClinVar aggregate classification (germline): Uncertain significance (1 of 4 stars; one submission).

gnomAD v4.1: 15 of 1,613,038 alleles (0.00093%); highest among the groups gnomAD compares: Admixed American, 0.0033%; no homozygotes.

Submission:

GeneDx
Classification: Uncertain significance. Last evaluated: 2024-04-22. Review status: criteria provided, single submitter. Criteria: GeneDx Variant Classification Process June 2021. Collection method: clinical testing. Allele origin: germline. Affected: yes.
Comment: Not observed at significant frequency in large population cohorts (gnomAD); In silico analysis supports that this missense variant has a deleterious effect on protein structure/function; Has not been previously published as pathogenic or benign to our knowledge